The following is an entry in ClinVar:

NM_002528.7(NTHL1):c.821TGG[1] (p.Val275del)

Gene: NTHL1 (nth like DNA glycosylase 1; minus strand). Cytogenetic location: 16p13.3.
Variant type: Microsatellite.
Coding change: c.821TGG[1] on transcript NM_002528.7 (MANE Select); one copy of the 3-base unit TGG starting at c.821; the reference has two copies in a row; one copy, 3 bases deleted.
Protein change: p.Val275del; deletes valine 275.
Genome position (GRCh38, 1-based): chr16:2,040,013-2,040,015, CCA deleted on the plus strand (TGG on the coding strand, the reverse complement: NTHL1 is on the minus strand); deleting any 3 consecutive bases within chr16:2,040,013-2,040,018 gives the same sequence; the position shown is the placement nearest the transcript's 3' end. VCF-style (leftmost placement, unchanged base first): chr16-2040012-CCCA-C. GRCh37 (hg19) VCF-style: chr16-2090013-CCCA-C.
Other names: c.650TGG[1], p.Val218del (NM_001318193.2); c.491TGG[1], p.Val165del (NM_001318194.2); short protein forms V218del, V275del, V165del.
Identifiers: ClinVar variation 3922245 (VCV003922245.1).
Genomic context (GRCh38, chr16:2,040,012, plus strand): 5'-GCTTGGTTGAGGCAGGCGTGGCAGCGAGGGTGCACAGGCAGACAGGTCTGCTGGCCGAAG[CCCA>C]CCAAGAGTCCATTGATCTCGTGCCACAGCTCCCTGTGGGGGTGGGGGCTGGGTCAGTGCT-3'

ClinVar aggregate classification (germline): Uncertain significance (1 of 4 stars; one submission).

Conditions:
Hereditary cancer-predisposing syndrome. Also called: Hereditary Cancer Syndrome; Hereditary neoplastic syndrome; Neoplastic Syndromes, Hereditary; Tumor predisposition. Identifiers: Orphanet 140162, MedGen C0027672, MeSH D009386, MONDO:0015356.

Submission:

Ambry Genetics
Classification: Uncertain significance for Hereditary cancer-predisposing syndrome. Last evaluated: 2025-04-10. Review status: criteria provided, single submitter. Criteria: Ambry Variant Classification Scheme 2023. Collection method: clinical testing. Allele origin: germline.
Comment: The c.848_850delTGG variant (also known as p.V283del) is located in coding exon 6 of the NTHL1 gene. This variant results from an in-frame TGG deletion at nucleotide positions 848 to 850. This results in the in-frame deletion of a valine at codon 283. This amino acid position is highly conserved in available vertebrate species. In addition, this alteration is predicted to be deleterious by in silico analysis (Choi Y et al. PLoS ONE. 2012; 7(10):e46688). Since supporting evidence is limited at this time, the clinical significance of this alteration remains unclear.